The following is an entry in ClinVar:

NM_138615.3(DHX30):c.1357G>T (p.Val453Leu)

Gene: DHX30 (DExH-box helicase 30; plus strand). Cytogenetic location: 3p21.31.
Variant type: single nucleotide variant.
Coding change: c.1357G>T on transcript NM_138615.3 (MANE Select); coding-DNA position 1357, G replaced by T.
Protein change: p.Val453Leu; replaces valine 453 with leucine.
Molecular consequence: missense variant.
Genome position (GRCh38, 1-based): chr3:47,846,429, G>T. VCF-style: chr3-47846429-G-T. GRCh37 (hg19) VCF-style: chr3-47887919-G-T.
Other names: c.1273G>T, p.Val425Leu (NM_001330990.2); c.1240G>T, p.Val414Leu (NM_014966.4); short protein forms V414L, V425L, V453L.
Identifiers: ClinVar variation 5017969 (VCV005017969.1).

ClinVar aggregate classification (germline): Uncertain significance (1 of 4 stars; one submission).

gnomAD v4.1: 1 of 1,614,032 alleles (0.000062%); highest among the groups gnomAD compares: African/African-American, 0.0013%; no homozygotes.

Submission:

GeneDx
Classification: Uncertain significance. Last evaluated: 2026-03-31. Review status: criteria provided, single submitter. Criteria: GeneDx Variant Classification Process June 2021. Collection method: clinical testing. Allele origin: germline.
Comment: Not observed at significant frequency in large population cohorts (gnomAD); In silico analysis suggests that this missense variant does not alter protein structure/function; Has not been previously published as pathogenic or benign to our knowledge